The following is an entry in ClinVar:

NM_000051.4(ATM):c.75A>G (p.Lys25=)

Gene: ATM (ATM serine/threonine kinase; plus strand). Cytogenetic location: 11q22.3.
Variant type: single nucleotide variant.
Coding change: c.75A>G on transcript NM_000051.4 (MANE Select); coding-DNA position 75, A replaced by G.
Protein change: p.Lys25=; no amino-acid change (lysine 25 retained).
Molecular consequence: synonymous variant.
Genome position (GRCh38, 1-based): chr11:108,227,778, A>G. VCF-style: chr11-108227778-A-G. GRCh37 (hg19) VCF-style: chr11-108098505-A-G.
Other names: c.75A>G, p.Lys25= (NM_001351834.2, NM_001351835.2, NM_001351836.2).
Identifiers: ClinVar variation 802719 (VCV000802719.11), dbSNP rs1591446716, ClinGen allele CA476667988.
Genomic context (GRCh38, chr11:108,227,778, plus strand): 5'-ATTTTTCCTTGAAATAAGTGTGATTAGTAACCCATTATTATTTCCTTTTTATTTTCAGAA[A>G]GAAGTTGAGAAATTTAAGCGCCTGATTCGAGATCCTGAAACAATTAAACATCTAGATCGG-3'
Protein context (NP_000042.3, residues 15-35): LEHDRATERK[Lys25=]EVEKFKRLIR

ClinVar aggregate classification (germline): Conflicting classifications of pathogenicity. Review status: criteria provided, conflicting classifications (1 of 4 stars). 5 submissions from 5 submitters: Uncertain significance (3); Benign (1); Likely benign (1). Last evaluated 2025-02-19.

Conditions:
Ataxia-telangiectasia syndrome (AT). Also called: Ataxia-telangiectasia, complementation group E; Ataxia-telangiectasia, complementation group D; Ataxia telangiectasia (A-T); LOUIS-BAR SYNDROME; ATAXIA-TELANGIECTASIA, COMPLEMENTATION GROUP A; ATAXIA-TELANGIECTASIA, FRESNO VARIANT. Identifiers: Orphanet 100, MedGen C0004135, MONDO:0008840, OMIM 208900.
Familial cancer of breast. Also called: BREAST CANCER, FAMILIAL; Hereditary breast cancer; hereditary breast carcinoma. Identifiers: Orphanet 227535, MedGen C0346153, MONDO:0016419, OMIM 114480. Disease mechanism: loss of function.
Hereditary cancer-predisposing syndrome. Also called: Neoplastic Syndromes, Hereditary; Hereditary Cancer Syndrome; Tumor predisposition; Hereditary neoplastic syndrome. Identifiers: Orphanet 140162, MedGen C0027672, MeSH D009386, MONDO:0015356.

Allele frequency attached by ClinVar (database versions not stated): TOPMed below 0.00001.

Submissions (5):

Ambry Genetics
Classification: Likely benign for Hereditary cancer-predisposing syndrome. Last evaluated: 2025-02-19. Review status: criteria provided, single submitter. Criteria: Ambry Variant Classification Scheme 2023. Collection method: clinical testing. Allele origin: germline.

Myriad Genetics, Inc.
Classification: Benign for Familial cancer of breast. Last evaluated: 2024-04-17. Review status: criteria provided, single submitter. Criteria: Myriad Autosomal Dominant, Autosomal Recessive and X-Linked Classification Criteria (2023). Collection method: clinical testing. Allele origin: unknown.
Comment: This variant is considered benign. This variant is a silent/synonymous amino acid change and it is not expected to impact splicing.

Labcorp Genetics (formerly Invitae), Labcorp
Classification: Uncertain significance for Ataxia-telangiectasia syndrome. Last evaluated: 2022-09-15. Review status: criteria provided, single submitter. Criteria: Invitae Variant Classification Sherloc (09022015). Collection method: clinical testing. Allele origin: germline.
Comment: This variant is not present in population databases (gnomAD no frequency). This sequence change affects codon 25 of the ATM mRNA. It is a 'silent' change, meaning that it does not change the encoded amino acid sequence of the ATM protein. This variant has not been reported in the literature in individuals affected with ATM-related conditions. In summary, the available evidence is currently insufficient to determine the role of this variant in disease. Therefore, it has been classified as a Variant of Uncertain Significance. Algorithms developed to predict the effect of sequence changes on RNA splicing suggest that this variant may disrupt the consensus splice site. ClinVar contains an entry for this variant (Variation ID: 802719).

Athena Diagnostics
Classification: Uncertain significance. Last evaluated: 2022-02-18. Review status: criteria provided, single submitter. Criteria: Athena Diagnostics Criteria. Collection method: clinical testing. Allele origin: unknown.

Mendelics
Classification: Uncertain significance for Ataxia-telangiectasia syndrome. Last evaluated: 2019-05-28. Review status: criteria provided, single submitter. Criteria: Mendelics Assertion Criteria 2017. Collection method: clinical testing. Allele origin: unknown.